The following is an entry in ClinVar:

NM_001127511.3(APC):c.-145C>T

Gene: APC (APC regulator of Wnt signaling pathway; plus strand). Cytogenetic location: 5q22.2.
Variant type: single nucleotide variant.
Coding change: c.-145C>T on transcript NM_001127511.3; 145 bases upstream of the start codon, C replaced by T.
Molecular consequence: 5 prime UTR variant. On other transcripts: non-coding transcript variant (2).
Genome position (GRCh38, 1-based): chr5:112,707,573, C>T. VCF-style: chr5-112707573-C-T. GRCh37 (hg19) VCF-style: chr5-112043270-C-T.
Other names: c.-328C>T (NM_001354895.2, NM_001407447.1, NM_001407452.1 and 3 more transcripts); c.-145C>T (NM_001354897.2, NM_001354902.2, NM_001407446.1); c.-95C>T (NM_001407448.1, NM_001407450.1, NM_001407457.1 and 1 more transcripts); c.-119C>T (NM_001407453.1); c.-1363C>T (NM_001407470.1, NM_001407472.1).
Identifiers: ClinVar variation 639995 (VCV000639995.11), dbSNP rs986030414, ClinGen allele CA802057087.

ClinVar aggregate classification (germline): Uncertain significance (1 of 4 stars; one submission).

Conditions:
Familial adenomatous polyposis 1 (FAP1). Also called: FAMILIAL ADENOMATOUS POLYPOSIS 1, ATTENUATED; POLYPOSIS, ADENOMATOUS INTESTINAL. Identifiers: MedGen C2713442, MONDO:0021056, OMIM 175100. Disease mechanism: loss of function.

Allele frequency attached by ClinVar (database versions not stated): TOPMed 0.00002.

Submission:

Labcorp Genetics (formerly Invitae), Labcorp
Classification: Uncertain significance for Familial adenomatous polyposis 1. Last evaluated: 2025-07-22. Review status: criteria provided, single submitter. Criteria: Invitae Variant Classification Sherloc (09022015). Collection method: clinical testing. Allele origin: germline.
Comment: This variant occurs in a non-coding region of the APC gene. It does not change the encoded amino acid sequence of the APC protein. This variant is not present in population databases (gnomAD no frequency). This variant has not been reported in the literature in individuals affected with APC-related conditions. ClinVar contains an entry for this variant (Variation ID: 639995). Experimental studies and prediction algorithms are not available or were not evaluated, and the functional significance of this variant is currently unknown. In summary, the available evidence is currently insufficient to determine the role of this variant in disease. Therefore, it has been classified as a Variant of Uncertain Significance.